The following is an entry in ClinVar:

NM_021728.4(OTX2):c.309ACAACAGCA[1] (p.Gln107_Gln109del)

Gene: OTX2 (orthodenticle homeobox 2; minus strand). Cytogenetic location: 14q22.3.
Variant type: Microsatellite.
Coding change: c.309ACAACAGCA[1] on transcript NM_021728.4 (MANE Select); one copy of the 9-base unit ACAACAGCA starting at c.309; the reference has two copies in a row; one copy, 9 bases deleted.
Protein change: p.Gln107_Gln109del.
Molecular consequence: inframe deletion. On other transcripts: non-coding transcript variant (2).
Genome position (GRCh38, 1-based): chr14:56,802,303-56,802,311, TGCTGTTGT deleted on the plus strand (ACAACAGCA on the coding strand, the reverse complement: OTX2 is on the minus strand); deleting any 9 consecutive bases within chr14:56,802,303-56,802,322 gives the same sequence; the position shown is the placement nearest the transcript's 3' end. VCF-style (leftmost placement, unchanged base first): chr14-56802302-CTGCTGTTGT-C. GRCh37 (hg19) VCF-style: chr14-57269020-CTGCTGTTGT-C.
Other names: c.285ACAACAGCA[1], p.Gln99_Gln101del (NM_001270523.2, NM_001270524.2, NM_172337.3); c.309ACAACAGCA[1], p.Gln107_Gln109del (NM_001270525.2).
Identifiers: ClinVar variation 3617082 (VCV003617082.2).

ClinVar aggregate classification (germline): Uncertain significance (1 of 4 stars; one submission).

Conditions:
Anophthalmia-microphthalmia syndrome. Also called: Anophthalmia/Microphthalmia; Anophthalmia - microphthalmia. Identifiers: Orphanet 98555, MedGen C5680330, MONDO:0020147.

Submission:

Labcorp Genetics (formerly Invitae), Labcorp
Classification: Uncertain significance for Anophthalmia-microphthalmia syndrome. Last evaluated: 2024-06-11. Review status: criteria provided, single submitter. Criteria: Invitae Variant Classification Sherloc (09022015). Collection method: clinical testing. Allele origin: germline.
Comment: This variant, c.294_302del, results in the deletion of 3 amino acid(s) of the OTX2 protein (p.Gln99_Gln101del), but otherwise preserves the integrity of the reading frame. This variant is present in population databases (no rsID available, gnomAD 0.007%). This variant has not been reported in the literature in individuals affected with OTX2-related conditions. Experimental studies and prediction algorithms are not available or were not evaluated, and the functional significance of this variant is currently unknown. In summary, the available evidence is currently insufficient to determine the role of this variant in disease. Therefore, it has been classified as a Variant of Uncertain Significance.